The following is an entry in ClinVar:

ClinVar aggregate classification (germline): Likely pathogenic (1 of 4 stars; one submission).

Conditions:
Osteogenesis imperfecta, perinatal lethal (OI2). Also called: OI, TYPE II; OSTEOGENESIS IMPERFECTA CONGENITA; Osteogenesis imperfecta, dominant perinatal lethal; VROLIK TYPE OF OSTEOGENESIS IMPERFECTA; Osteogenesis imperfecta type 2; OSTEOGENESIS IMPERFECTA, TYPE II. Identifiers: Orphanet 216804, MedGen C0268358, MONDO:0008147, OMIM 166210.
Osteogenesis imperfecta type III (OI3). Also called: Osteogenesis imperfecta type 3; OI type 3; Osteogenesis imperfecta, progressively deforming with normal sclerae; OI type III; Progressively Deforming Osteogenesis Imperfecta. Identifiers: Orphanet 216812, Orphanet 666, MedGen C0268362, MONDO:0009804, OMIM 259420.

Submission:

Juno Genomics, Hangzhou Juno Genomics, Inc
Classification: Likely pathogenic for Osteogenesis imperfecta, perinatal lethal; Osteogenesis imperfecta type III. Review status: criteria provided, single submitter. Criteria: ACMG Guidelines, 2015. Collection method: clinical testing. Allele origin: germline. Affected: yes.
Comment: Absent from controls (or at extremely low frequency if recessive) in Genome Aggregation Database, Exome Sequencing Project, 1000 Genomes Project, or Exome Aggregation Consortium.;Multiple lines of computational evidence support a deleterious effect on the gene or gene product (conservation, evolutionary, splicing impact, etc).;De novo (both maternity and paternity confirmed) in a patient with the disease and no family history.;Located in a mutational hot spot and/or critical and well-established functional domain (e.g. active site of an enzyme) without benign variation.

NM_000088.4(COL1A1):c.1742G>A (p.Gly581Glu)

Gene: COL1A1 (collagen type I alpha 1 chain; minus strand). Cytogenetic location: 17q21.33.
Variant type: single nucleotide variant.
Coding change: c.1742G>A on transcript NM_000088.4 (MANE Select); coding-DNA position 1742, G replaced by A.
Protein change: p.Gly581Glu; replaces glycine 581 with glutamic acid.
Molecular consequence: missense variant.
Genome position (GRCh38, 1-based): chr17:50,193,968, C>T on the plus strand (G>A on the coding strand, the complement: COL1A1 is on the minus strand). VCF-style: chr17-50193968-C-T. GRCh37 (hg19) VCF-style: chr17-48271329-C-T.
Other names: short protein forms G581E.
Identifiers: ClinVar variation 3382556 (VCV003382556.2).
Genomic context (GRCh38, chr17:50,193,968, plus strand): 5'-CCCTGGCTCTTCATGGATCCTCACTTAATACTCACAGCAGCACCTTTAGGTCCAGGGAAT[C>T]CCATCACACCAGCCTGACCACGGGCACCAGGTGGGCCTGGGGGTCCGGGGCGACCATCTT-3'
Protein context (NP_000079.2, residues 571-591): PGARGQAGVM[Gly581Glu]FPGPKGAAGE